The following is an entry in ClinVar:

ClinVar aggregate classification (germline): Benign. Review status: reviewed by expert panel (3 of 4 stars). 30 submissions from 30 submitters: Benign (1). 29 of the submissions do not count toward it. Last evaluated 2015-08-10.

Conditions:
Breast and/or ovarian cancer. Identifiers: MedGen CN221562.
Hereditary cancer-predisposing syndrome. Also called: Neoplastic Syndromes, Hereditary; Tumor predisposition; Hereditary Cancer Syndrome; Hereditary neoplastic syndrome. Identifiers: Orphanet 140162, MedGen C0027672, MeSH D009386, MONDO:0015356.
Hereditary breast ovarian cancer syndrome. Also called: Hereditary breast and ovarian cancer; Breast and ovarian cancer; Hereditary breast and/or ovarian cancer syndrome; Hereditary breast and ovarian cancer syndrome (HBOC); Hereditary breast and ovarian cancer syndrome; BRCA1- and BRCA2-Associated Hereditary Breast and Ovarian Cancer. Identifiers: Orphanet 145, MedGen C0677776, MeSH D061325, MONDO:0003582. Disease mechanism: loss of function.
Breast-ovarian cancer, familial, susceptibility to, 2 (BROVCA2). Also called: BRCA2 Hereditary Breast and Ovarian Cancer. Identifiers: Orphanet 145, MedGen C2675520, MONDO:0012933, OMIM 612555. Disease mechanism: loss of function.
Familial cancer of breast. Also called: BREAST CANCER, FAMILIAL; Hereditary breast cancer; hereditary breast carcinoma. Identifiers: Orphanet 227535, MedGen C0346153, MONDO:0016419, OMIM 114480. Disease mechanism: loss of function.
Malignant tumor of breast. Also called: Malignant breast neoplasm; Cancer breast. Identifiers: MedGen C0006142, MONDO:0007254. Disease mechanism: loss of function.

Allele frequency attached by ClinVar (database versions not stated): gnomAD 0.00247 and 0.00264; 1000 Genomes Project 0.00280; 1000 Genomes Project 30x 0.00281; TOPMed 0.00294; ESP Exome Variant Server 0.00346.

Submissions 1 to 20 of 30:

Evidence-based Network for the Interpretation of Germline Mutant Alleles (ENIGMA)
Classification: Benign for Breast-ovarian cancer, familial 2. Last evaluated: 2015-08-10. Review status: reviewed by expert panel. Criteria: ENIGMA BRCA1/2 Classification Criteria (2015). Collection method: curation. Allele origin: germline.
Comment: IARC class based on posterior probability from multifactorial likelihood analysis, thresholds for class as per Plon et al. 2008 (PMID: 18951446). Class 1 based on posterior probability = 0.00000313

Labcorp Genetics (formerly Invitae), Labcorp
Classification: Benign for Hereditary breast ovarian cancer syndrome. Last evaluated: 2026-02-03. Review status: criteria provided, single submitter. Criteria: Invitae Variant Classification Sherloc (09022015). Collection method: clinical testing. Allele origin: germline. Not counted in ClinVar's aggregate classification.

Dasa
Classification: Benign for Breast-ovarian cancer, familial, susceptibility to, 2. Last evaluated: 2025-11-22. Review status: criteria provided, single submitter. Criteria: DASA Assertion Criteria. Collection method: clinical testing. Allele origin: germline. Not counted in ClinVar's aggregate classification.
Comment: NM_000059.4(BRCA2):c.6220C>A (p.His2074Asn) is a missense variant that results in the substitution of histidine with asparagine. Population frequency is inconsistent with a disease-causing role for this variant, and observations in unaffected individuals support a benign interpretation. Computational prediction algorithms are consistent with a benign effect. Therefore, based on the currently available evidence, this variant is classified as benign.

CeGaT Center for Human Genetics Tuebingen
Classification: Benign. Last evaluated: 2025-10-01. Review status: criteria provided, single submitter. Criteria: CeGaT Center For Human Genetics Tuebingen Variant Classification Criteria Version 2. Collection method: clinical testing. Allele origin: germline. Affected: yes. Observed: 3 variant alleles. Not counted in ClinVar's aggregate classification.
Comment: BRCA2: BP4, BS3:Moderate, BS1

ARUP Laboratories, Molecular Genetics and Genomics, ARUP Laboratories
Classification: Benign. Last evaluated: 2025-03-04. Review status: criteria provided, single submitter. Criteria: ARUP Molecular Germline Variant Investigation Process 2024. Collection method: clinical testing. Allele origin: germline. Not counted in ClinVar's aggregate classification.

KCCC/NGS Laboratory, Kuwait Cancer Control Center
Classification: Benign for Familial cancer of breast. Last evaluated: 2025-02-01. Review status: criteria provided, single submitter. Criteria: ACMG Guidelines, 2015. Collection method: clinical testing. Allele origin: germline. Affected: no. Not counted in ClinVar's aggregate classification.

Blueprint Genetics
Classification: Likely benign. Last evaluated: 2024-11-12. Review status: criteria provided, single submitter. Criteria: ACMG Guidelines, 2015. Collection method: clinical testing. Allele origin: germline. Not counted in ClinVar's aggregate classification.

Institute for Biomarker Research, Medical Diagnostic Laboratories, L.L.C.
Classification: Benign for Hereditary breast ovarian cancer syndrome. Last evaluated: 2024-10-15. Review status: criteria provided, single submitter. Criteria: ACMG Guidelines, 2015. Collection method: clinical testing. Allele origin: germline. Not counted in ClinVar's aggregate classification.
Comment: The missense variant NM_000059.4(BRCA2):c.6220C>A (p.His2074Asn) has been reported to ClinVar as Benign with a status of (3 stars) reviewed by expert panel (Variation ID 38028 as of 2024-10-03). The variant is observed in one or more well-documented healthy adults. The p.His2074Asn variant is observed in 159/16,154 (0.9843%) alleles from individuals of gnomAD African background in gnomAD. The p.His2074Asn variant is observed in 14/5,008 (0.2796%) alleles from individuals of 1kG All background in 1kG, which is greater than expected for the disorder. There is a small physicochemical difference between histidine and asparagine, which is not likely to impact secondary protein structure as these residues share similar properties. The p.His2074Asn missense variant is predicted to be tolerated by both SIFT or PolyPhen2. The asparagine residue at codon 2074 of BRCA2 is present in David's myotis bat and 5 other mammalian species. The nucleotide c.6220 in BRCA2 is not conserved according to a GERP++ and PhyloP analysis of 100 vertebrates. For these reasons, this variant has been classified as Benign.

Mayo Clinic Laboratories, Mayo Clinic
Classification: Benign. Last evaluated: 2024-04-16. Review status: criteria provided, single submitter. Criteria: ACMG Guidelines, 2015. Collection method: clinical testing. Allele origin: germline. Observed: 9 variant alleles. Not counted in ClinVar's aggregate classification.
Comment: BA1, BP4, BP5, BP6

National Health Laboratory Service, Universitas Academic Hospital and University of the Free State
Classification: Benign for Hereditary breast ovarian cancer syndrome. Last evaluated: 2022-04-19. Review status: criteria provided, single submitter. Criteria: ACMG Guidelines, 2015. Collection method: clinical testing. Allele origin: germline. Affected: yes. Observed: 15 variant alleles. Not counted in ClinVar's aggregate classification.

Genetics Program, Instituto Nacional de Cancer
Classification: Likely benign for Hereditary breast ovarian cancer syndrome. Last evaluated: 2021-11-01. Review status: criteria provided, single submitter. Criteria: ACMG Guidelines, 2015. Collection method: research. Allele origin: germline. Affected: yes. Not counted in ClinVar's aggregate classification.

Laboratory for Molecular Medicine, Mass General Brigham Personalized Medicine
Classification: Benign. Last evaluated: 2021-05-17. Review status: criteria provided, single submitter. Criteria: ACMG Guidelines, 2015. Collection method: clinical testing. Allele origin: germline. Not counted in ClinVar's aggregate classification.
Comment: The p.His2074Asn variant in BRCA2 is classified as benign because it has been identified in 0.98% (243/24870) of African chromosomes, including 1 homozygote, by gnomAD. ACMG/AMP Criteria applied: BA1.

Sema4
Classification: Benign for Hereditary cancer-predisposing syndrome. Last evaluated: 2021-02-17. Review status: criteria provided, single submitter. Criteria: Sema4 Curation Guidelines. Collection method: curation. Allele origin: germline. Not counted in ClinVar's aggregate classification.

CHEO Genetics Diagnostic Laboratory, Children's Hospital of Eastern Ontario
Classification: Likely benign for Breast and/or ovarian cancer. Last evaluated: 2020-11-04. Review status: criteria provided, single submitter. Criteria: ACMG Guidelines, 2015. Collection method: clinical testing. Allele origin: germline. Not counted in ClinVar's aggregate classification.

PreventionGenetics, part of Exact Sciences
Classification: Benign. Last evaluated: 2017-11-10. Review status: criteria provided, single submitter. Criteria: ACMG Guidelines, 2015. Collection method: clinical testing. Allele origin: germline. Not counted in ClinVar's aggregate classification.

Clinical Genetics DNA and cytogenetics Diagnostics Lab, Erasmus MC, Erasmus Medical Center
Classification: Benign for Breast-ovarian cancer, familial, susceptibility to, 2. Last evaluated: 2015-09-21. Review status: criteria provided, single submitter. Criteria: ACGS Guidelines, 2013. Collection method: clinical testing. Allele origin: germline. Affected: yes. Study: VKGL Data-share Consensus. Not counted in ClinVar's aggregate classification.

Color Diagnostics, LLC DBA Color Health
Classification: Benign for Hereditary cancer-predisposing syndrome. Last evaluated: 2015-03-10. Review status: criteria provided, single submitter. Criteria: ACMG Guidelines, 2015. Collection method: clinical testing. Allele origin: germline. Not counted in ClinVar's aggregate classification.

Ambry Genetics
Classification: Benign for Hereditary cancer-predisposing syndrome. Last evaluated: 2014-11-19. Review status: criteria provided, single submitter. Criteria: Ambry Variant Classification Scheme 2023. Collection method: clinical testing. Allele origin: germline. Not counted in ClinVar's aggregate classification.

Women's Health and Genetics/Laboratory Corporation of America, LabCorp
Classification: Benign for Hereditary breast ovarian cancer syndrome. Last evaluated: 2014-04-28. Review status: criteria provided, single submitter. Criteria: LabCorp Variant Classification Summary - May 2015. Collection method: clinical testing. Allele origin: germline. Not counted in ClinVar's aggregate classification.

Eurofins Ntd Llc (ga)
Classification: Benign. Last evaluated: 2014-01-06. Review status: criteria provided, single submitter. Criteria: EGL Classification Definitions 2015. Collection method: clinical testing. Allele origin: germline. Observed: 2 variant alleles, 2 heterozygotes. Not counted in ClinVar's aggregate classification.

NM_000059.4(BRCA2):c.6220C>A (p.His2074Asn)

Gene: BRCA2 (BRCA2 DNA repair associated; plus strand). Cytogenetic location: 13q13.1.
Variant type: single nucleotide variant.
Coding change: c.6220C>A on transcript NM_000059.4 (MANE Select); coding-DNA position 6220, C replaced by A.
Protein change: p.His2074Asn; replaces histidine 2074 with asparagine.
Molecular consequence: missense variant.
Genome position (GRCh38, 1-based): chr13:32,340,575, C>A. VCF-style: chr13-32340575-C-A. GRCh37 (hg19) VCF-style: chr13-32914712-C-A.
Other names: p.H2074N:CAC>AAC; 6448C>A; NP_000050.3:p.His2074Asn; short protein forms H2074N.
Identifiers: ClinVar variation 38028 (VCV000038028.98), dbSNP rs34309943, ClinGen allele CA023770.
Genomic context (GRCh38, chr13:32,340,575, plus strand): 5'-GCTTTCTCTGGATTTAGTACAGCAAGTGGAAAGCAAGTTTCCATTTTAGAAAGTTCCTTA[C>A]ACAAAGTTAAGGGAGTGTTAGAGGAATTTGATTTAATCAGAACTGAGCATAGTCTTCACT-3'
Protein context (NP_000050.3, residues 2064-2084): KQVSILESSL[His2074Asn]KVKGVLEEFD